The following is an entry in ClinVar:

NM_025257.3(SLC44A4):c.40+8T>C

Genes: EHMT2-AS1 (EHMT2 and SLC44A4 antisense RNA 1; plus strand), SLC44A4 (solute carrier family 44 member 4; minus strand). Cytogenetic location: 6p21.33.
Variant type: single nucleotide variant.
Coding change: c.40+8T>C on transcript NM_025257.3 (MANE Select); 8 bases into the intron after coding-DNA position 40, T replaced by C.
Molecular consequence: intron variant.
Genome position (GRCh38, 1-based): chr6:31,878,933, A>G on the plus strand (T>C on the coding strand, the complement: SLC44A4 is on the minus strand). VCF-style: chr6-31878933-A-G. GRCh37 (hg19) VCF-style: chr6-31846710-A-G.
Other names: c.40+8T>C (NM_001178044.2, NM_025257.2).
Identifiers: ClinVar variation 2049935 (VCV002049935.6), dbSNP rs375793445, ClinGen allele CA3725871.

ClinVar aggregate classification (germline): Benign/Likely benign. Review status: criteria provided, multiple submitters, no conflicts (2 of 4 stars). 3 submissions from 3 submitters: Benign (1); Likely benign (1). 1 of the submissions does not count toward it. Last evaluated 2025-11-17.

Conditions:
SLC44A4-related disorder. Also called: SLC44A4-related condition.

Allele frequency attached by ClinVar (database versions not stated): gnomAD exomes 0.00005; TOPMed 0.00009; gnomAD 0.00011; ExAC 0.00025; 1000 Genomes Project 0.00060; 1000 Genomes Project 30x 0.00062.

Submissions (3):

Labcorp Genetics (formerly Invitae), Labcorp
Classification: Benign. Last evaluated: 2025-11-17. Review status: criteria provided, single submitter. Criteria: Invitae Variant Classification Sherloc (09022015). Collection method: clinical testing. Allele origin: germline.

Blueprint Genetics
Classification: Likely benign. Last evaluated: 2023-10-05. Review status: criteria provided, single submitter. Criteria: ACMG Guidelines, 2015. Collection method: clinical testing. Allele origin: germline.

PreventionGenetics, part of Exact Sciences
Classification: Likely benign for SLC44A4-related condition. Last evaluated: 2024-06-18. Review status: no assertion criteria provided. Collection method: clinical testing. Allele origin: germline. Not counted in ClinVar's aggregate classification.
Comment: This variant is classified as likely benign based on ACMG/AMP sequence variant interpretation guidelines (Richards et al. 2015 PMID: 25741868, with internal and published modifications).